The following is an entry in ClinVar:

ClinVar aggregate classification (germline): Uncertain significance. Review status: criteria provided, multiple submitters, no conflicts (2 of 4 stars). 4 submissions from 4 submitters: Uncertain significance (4). Last evaluated 2025-12-06.

Conditions:
Renal cell carcinoma. Identifiers: Orphanet 217071, MedGen C0007134, MeSH D002292, MONDO:0005086, HP:0005584.
Osteofibrous dysplasia (OSFD). Also called: Tibia, bowing of, with pseudarthrosis and pectus excavatum. Identifiers: Orphanet 488265, MedGen C4085248, MONDO:0011806, OMIM 607278.
Arthrogryposis, distal, IIa 11. Also called: Arthrogryposis, distal, type 11. Identifiers: MedGen C5774205, MONDO:0031045, OMIM 620019.
Autosomal recessive nonsyndromic hearing loss 97. Also called: Deafness, autosomal recessive 97. Identifiers: Orphanet 90636, MedGen C4084709, MONDO:0014739, OMIM 616705.
Hepatocellular carcinoma (HCC). Also called: Primary carcinoma of liver; HEPATOMA; LIVER CELL CARCINOMA. Identifiers: Orphanet 88673, MedGen C2239176, MONDO:0007256, OMIM 114550, HP:0001402.
Papillary renal cell carcinoma type 1 (RCCP1). Also called: RENAL CELL CARCINOMA, PAPILLARY, 1, SOMATIC; Renal adenocarcinoma; Renal cell carcinoma 1; Renal cell carcinoma, somatic. Identifiers: Orphanet 47044, MedGen C1336839, OMIM 605074, HP:0011797.
Hereditary cancer-predisposing syndrome. Also called: Neoplastic Syndromes, Hereditary; Tumor predisposition; Hereditary Cancer Syndrome; Hereditary neoplastic syndrome. Identifiers: Orphanet 140162, MedGen C0027672, MeSH D009386, MONDO:0015356.

Allele frequency attached by ClinVar (database versions not stated): gnomAD exomes below 0.00001.
gnomAD v4.1: 7 of 1,612,728 alleles (0.00043%); highest among the groups gnomAD compares: Admixed American, 0.0017%; no homozygotes.

Submissions (4):

Labcorp Genetics (formerly Invitae), Labcorp
Classification: Uncertain significance for Renal cell carcinoma. Last evaluated: 2025-12-06. Review status: criteria provided, single submitter. Criteria: Invitae Variant Classification Sherloc (09022015). Collection method: clinical testing. Allele origin: germline.
Comment: This sequence change replaces valine, which is neutral and non-polar, with alanine, which is neutral and non-polar, at codon 806 of the MET protein (p.Val806Ala). This variant is not present in population databases (gnomAD no frequency). This variant has not been reported in the literature in individuals affected with MET-related conditions. ClinVar contains an entry for this variant (Variation ID: 188202). An algorithm developed to predict the effect of missense changes on protein structure and function (PolyPhen-2) suggests that this variant is likely to be disruptive. In summary, the available evidence is currently insufficient to determine the role of this variant in disease. Therefore, it has been classified as a Variant of Uncertain Significance.

Ambry Genetics
Classification: Uncertain significance for Hereditary cancer-predisposing syndrome. Last evaluated: 2025-01-27. Review status: criteria provided, single submitter. Criteria: Ambry Variant Classification Scheme 2023. Collection method: clinical testing. Allele origin: germline.
Comment: The p.V806A variant (also known as c.2417T>C), located in coding exon 9 of the MET gene, results from a T to C substitution at nucleotide position 2417. The valine at codon 806 is replaced by alanine, an amino acid with similar properties. This amino acid position is highly conserved in available vertebrate species. In addition, the in silico prediction for this alteration is inconclusive. Based on the available evidence, the clinical significance of this variant remains unclear.

Fulgent Genetics
Classification: Uncertain significance for Hepatocellular carcinoma; Papillary renal cell carcinoma type 1; Osteofibrous dysplasia; Autosomal recessive nonsyndromic hearing loss 97; Arthrogryposis, distal, IIa 11. Last evaluated: 2024-06-14. Review status: criteria provided, single submitter. Criteria: ACMG Guidelines, 2015. Collection method: clinical testing. Allele origin: germline.

GeneDx
Classification: Uncertain significance. Last evaluated: 2023-03-30. Review status: criteria provided, single submitter. Criteria: GeneDx Variant Classification Process June 2021. Collection method: clinical testing. Allele origin: germline. Affected: yes.
Comment: Not observed at significant frequency in large population cohorts (gnomAD); In silico analysis supports that this missense variant does not alter protein structure/function; Has not been previously published as pathogenic or benign to our knowledge; This variant is associated with the following publications: (PMID: 29535388)

NM_000245.4(MET):c.2363T>C (p.Val788Ala)

Gene: MET (MET proto-oncogene, receptor tyrosine kinase; plus strand). Cytogenetic location: 7q31.2.
Variant type: single nucleotide variant.
Coding change: c.2363T>C on transcript NM_000245.4 (MANE Select); coding-DNA position 2363, T replaced by C.
Protein change: p.Val788Ala; replaces valine 788 with alanine.
Molecular consequence: missense variant.
Genome position (GRCh38, 1-based): chr7:116,759,489, T>C. VCF-style: chr7-116759489-T-C. GRCh37 (hg19) VCF-style: chr7-116399543-T-C.
Other names: c.2417T>C, p.Val806Ala (NM_001127500.3); c.2363T>C, p.Val788Ala (NM_001324401.3); c.1073T>C, p.Val358Ala (NM_001324402.2); short protein forms V806A, V788A, V358A.
Identifiers: ClinVar variation 188202 (VCV000188202.16), dbSNP rs786204142, ClinGen allele CA334301.